The following is an entry in ClinVar:

ClinVar aggregate classification (germline): Uncertain significance. Review status: criteria provided, multiple submitters, no conflicts (2 of 4 stars). 4 submissions from 4 submitters: Uncertain significance (4). Last evaluated 2026-06-16.

Conditions:
ABCB4-related disorder. Also called: ABCB4-related disorders; ABCB4-related condition.
Inborn genetic diseases. Identifiers: MedGen C0950123, MeSH D030342.

Allele frequency attached by ClinVar (database versions not stated): gnomAD 0.00001; TOPMed 0.00001; gnomAD exomes 0.00002 and 0.00004; ExAC 0.00003.
gnomAD v4.1: 15 of 1,613,840 alleles (0.00093%); highest among the groups gnomAD compares: Admixed American, 0.025%; no homozygotes.

Submissions (4):

PreventionGenetics, part of Exact Sciences
Classification: Uncertain significance for ABCB4-related condition. Last evaluated: 2026-06-16. Review status: criteria provided, single submitter. Criteria: ACMG Guidelines, 2015. Collection method: clinical testing. Allele origin: germline.
Comment: The ABCB4 c.910G>T variant is predicted to result in the amino acid substitution p.Ala304Ser. To our knowledge, this variant has not been reported in the literature. This variant is reported in 0.032% of alleles in individuals of Latino descent in gnomAD. An alternate nucleotide change affecting the same amino acid (p.Ala304Asp) has been reported along with a second ABCB4 variant in an individual with intrahepatic cholestasis (Table S4, patient 11, Hertel et al. 2021. PubMed ID: 34016879). At this time, the clinical significance of the c.910G>T (p.Ala304Ser) variant is uncertain due to the absence of conclusive functional and genetic evidence.

CeGaT Center for Human Genetics Tuebingen
Classification: Uncertain significance. Last evaluated: 2026-06-01. Review status: criteria provided, single submitter. Criteria: CeGaT Center For Human Genetics Tuebingen Variant Classification Criteria Version 2. Collection method: clinical testing. Allele origin: germline. Affected: yes. Observed: 1 variant allele.
Comment: ABCB4: PM2

Ambry Genetics
Classification: Uncertain significance for Inborn genetic diseases. Last evaluated: 2022-10-04. Review status: criteria provided, single submitter. Criteria: Ambry Variant Classification Scheme 2023. Collection method: clinical testing. Allele origin: germline.

Eurofins Ntd Llc (ga)
Classification: Uncertain significance. Last evaluated: 2016-08-09. Review status: criteria provided, single submitter. Criteria: EGL Classification Definitions 2015. Collection method: clinical testing. Allele origin: germline. Observed: 1 variant allele, 1 heterozygote.

NM_000443.4(ABCB4):c.910G>T (p.Ala304Ser)

Gene: ABCB4 (ATP binding cassette subfamily B member 4; minus strand). Cytogenetic location: 7q21.12.
Variant type: single nucleotide variant.
Coding change: c.910G>T on transcript NM_000443.4 (MANE Select); coding-DNA position 910, G replaced by T.
Protein change: p.Ala304Ser; replaces alanine 304 with serine.
Molecular consequence: missense variant.
Genome position (GRCh38, 1-based): chr7:87,447,129, C>A on the plus strand (G>T on the coding strand, the complement: ABCB4 is on the minus strand). VCF-style: chr7-87447129-C-A. GRCh37 (hg19) VCF-style: chr7-87076445-C-A.
Other names: c.910G>T (NM_000443.3); c.910G>T, p.Ala304Ser (NM_018849.3, NM_018850.3); short protein forms A304S.
Identifiers: ClinVar variation 290131 (VCV000290131.12), dbSNP rs773840926, ClinGen allele CA4327424.